The following is an entry in ClinVar:

NM_145167.3(PIGM):c.95T>C (p.Leu32Pro)

Gene: PIGM (phosphatidylinositol glycan anchor biosynthesis class M; minus strand). Cytogenetic location: 1q23.2.
Variant type: single nucleotide variant.
Coding change: c.95T>C on transcript NM_145167.3 (MANE Select); coding-DNA position 95, T replaced by C.
Protein change: p.Leu32Pro; replaces leucine 32 with proline.
Molecular consequence: missense variant.
Genome position (GRCh38, 1-based): chr1:160,031,645, A>G on the plus strand (T>C on the coding strand, the complement: PIGM is on the minus strand). VCF-style: chr1-160031645-A-G. GRCh37 (hg19) VCF-style: chr1-160001435-A-G.
Other names: short protein forms L32P.
Identifiers: ClinVar variation 2767287 (VCV002767287.3), dbSNP rs1648341228, ClinGen allele CA343245305.

ClinVar aggregate classification (germline): Uncertain significance (1 of 4 stars; one submission).

Conditions:
Hypercoagulability syndrome due to glycosylphosphatidylinositol deficiency (GPIBD1). Also called: GLYCOSYLPHOSPHATIDYLINOSITOL BIOSYNTHESIS DEFECT 1. Identifiers: Orphanet 83639, MedGen C5201145, MONDO:0012465, OMIM 610293.

gnomAD v4.1: 2 of 1,614,136 alleles (0.00012%); highest among the groups gnomAD compares: Non-Finnish European, 0.00017%; no homozygotes.

Submission:

Labcorp Genetics (formerly Invitae), Labcorp
Classification: Uncertain significance for Hypercoagulability syndrome due to glycosylphosphatidylinositol deficiency. Last evaluated: 2024-02-14. Review status: criteria provided, single submitter. Criteria: Invitae Variant Classification Sherloc (09022015). Collection method: clinical testing. Allele origin: germline.
Comment: This sequence change replaces leucine, which is neutral and non-polar, with proline, which is neutral and non-polar, at codon 32 of the PIGM protein (p.Leu32Pro). This variant is not present in population databases (gnomAD no frequency). This variant has not been reported in the literature in individuals affected with PIGM-related conditions. Advanced modeling of protein sequence and biophysical properties (such as structural, functional, and spatial information, amino acid conservation, physicochemical variation, residue mobility, and thermodynamic stability) performed at Invitae indicates that this missense variant is expected to disrupt PIGM protein function with a positive predictive value of 80%. In summary, the available evidence is currently insufficient to determine the role of this variant in disease. Therefore, it has been classified as a Variant of Uncertain Significance.